The following is an entry in ClinVar:

NM_018117.12(WDR11):c.1583_1584delinsC (p.Ser528fs)

Gene: WDR11 (WD repeat domain 11; plus strand). Cytogenetic location: 10q26.12.
Variant type: Indel.
Coding change: c.1583_1584delinsC on transcript NM_018117.12 (MANE Select); coding-DNA positions 1583 to 1584, GT replaced by C.
Protein change: p.Ser528fs; shifts the reading frame from serine 528.
Molecular consequence: frameshift variant.
Genome position (GRCh38, 1-based): chr10:120,878,379-120,878,380, GT replaced by C. VCF-style: chr10-120878379-GT-C. GRCh37 (hg19) VCF-style: chr10-122637891-GT-C.
Other names: short protein forms S528fs.
Identifiers: ClinVar variation 1311861 (VCV001311861.3), dbSNP rs2133771090, ClinGen allele CA2573053248.

ClinVar aggregate classification (germline): Uncertain significance (1 of 4 stars; one submission).

Submission:

GeneDx
Classification: Uncertain significance. Last evaluated: 2025-11-25. Review status: criteria provided, single submitter. Criteria: GeneDx Variant Classification Process June 2021. Collection method: clinical testing. Allele origin: germline. Affected: yes.
Comment: Not observed at significant frequency in large population cohorts (gnomAD); Frameshift variant predicted to result in protein truncation or nonsense mediated decay in a gene or region of a gene for which loss of function is not a well-established mechanism of disease; Has not been previously published as pathogenic or benign to our knowledge